The following is an entry in ClinVar:

NM_001378454.1(ALMS1):c.8485A>T (p.Asn2829Tyr)

Gene: ALMS1 (ALMS1 centrosome and basal body associated protein; plus strand). Cytogenetic location: 2p13.1.
Variant type: single nucleotide variant.
Coding change: c.8485A>T on transcript NM_001378454.1 (MANE Select); coding-DNA position 8485, A replaced by T.
Protein change: p.Asn2829Tyr; replaces asparagine 2829 with tyrosine.
Molecular consequence: missense variant.
Genome position (GRCh38, 1-based): chr2:73,490,444, A>T. VCF-style: chr2-73490444-A-T. GRCh37 (hg19) VCF-style: chr2-73717571-A-T.
Other names: c.8488A>T, p.Asn2830Tyr (NM_015120.4); short protein forms N2829Y, N2830Y.
Identifiers: ClinVar variation 2114041 (VCV002114041.4), dbSNP rs1300409766, ClinGen allele CA347269086.

ClinVar aggregate classification (germline): Uncertain significance (1 of 4 stars; one submission).

Conditions:
Alstrom syndrome (ALMS). Identifiers: Orphanet 64, MedGen C0268425, MONDO:0008763, OMIM 203800.

Submission:

Labcorp Genetics (formerly Invitae), Labcorp
Classification: Uncertain significance for Alstrom syndrome. Last evaluated: 2022-03-18. Review status: criteria provided, single submitter. Criteria: Invitae Variant Classification Sherloc (09022015). Collection method: clinical testing. Allele origin: germline.
Comment: In summary, the available evidence is currently insufficient to determine the role of this variant in disease. Therefore, it has been classified as a Variant of Uncertain Significance. Experimental studies and prediction algorithms are not available or were not evaluated, and the functional significance of this variant is currently unknown. This variant has not been reported in the literature in individuals affected with ALMS1-related conditions. This variant is not present in population databases (gnomAD no frequency). This sequence change replaces asparagine, which is neutral and polar, with tyrosine, which is neutral and polar, at codon 2830 of the ALMS1 protein (p.Asn2830Tyr).